The following is an entry in ClinVar:

ClinVar aggregate classification (germline): Uncertain significance (1 of 4 stars; one submission).

Allele frequency attached by ClinVar (database versions not stated): gnomAD 0.00001; gnomAD exomes 0.00001; ExAC 0.00003; TOPMed 0.00003; ESP Exome Variant Server 0.00008.
gnomAD v4.1: 10 of 1,613,506 alleles (0.00062%); highest among the groups gnomAD compares: South Asian, 0.0033%; no homozygotes.

Submission:

Labcorp Genetics (formerly Invitae), Labcorp
Classification: Uncertain significance. Last evaluated: 2022-10-17. Review status: criteria provided, single submitter. Criteria: Invitae Variant Classification Sherloc (09022015). Collection method: clinical testing. Allele origin: germline.
Comment: This sequence change replaces threonine, which is neutral and polar, with methionine, which is neutral and non-polar, at codon 501 of the SLC4A11 protein (p.Thr501Met). This variant is present in population databases (rs146754230, gnomAD 0.01%). This variant has not been reported in the literature in individuals affected with SLC4A11-related conditions. Advanced modeling of protein sequence and biophysical properties (such as structural, functional, and spatial information, amino acid conservation, physicochemical variation, residue mobility, and thermodynamic stability) has been performed at Invitae for this missense variant, however the output from this modeling did not meet the statistical confidence thresholds required to predict the impact of this variant on SLC4A11 protein function. In summary, the available evidence is currently insufficient to determine the role of this variant in disease. Therefore, it has been classified as a Variant of Uncertain Significance.

NM_001174089.2(SLC4A11):c.1454C>T (p.Thr485Met)

Gene: SLC4A11 (solute carrier family 4 member 11; minus strand). Cytogenetic location: 20p13.
Variant type: single nucleotide variant.
Coding change: c.1454C>T on transcript NM_001174089.2 (MANE Select); coding-DNA position 1454, C replaced by T.
Protein change: p.Thr485Met; replaces threonine 485 with methionine.
Molecular consequence: missense variant. On other transcripts: non-coding transcript variant (3).
Genome position (GRCh38, 1-based): chr20:3,230,222, G>A on the plus strand (C>T on the coding strand, the complement: SLC4A11 is on the minus strand). VCF-style: chr20-3230222-G-A. GRCh37 (hg19) VCF-style: chr20-3210868-G-A.
Other names: c.1583C>T, p.Thr528Met (NM_001174090.2); c.1340C>T, p.Thr447Met (NM_001363745.2); c.1397C>T, p.Thr466Met (NM_001400277.1, NM_001400278.1, NM_001400279.1); c.1469C>T, p.Thr490Met (NM_001400280.1); c.1502C>T, p.Thr501Met (NM_032034.4); short protein forms T485M, T490M, T501M, T447M, T528M, T466M.
Identifiers: ClinVar variation 2200659 (VCV002200659.1), dbSNP rs146754230, ClinGen allele CA9741840.